The following is an entry in ClinVar:

ClinVar aggregate classification (germline): Likely pathogenic (1 of 4 stars; one submission).

Conditions:
Cockayne syndrome type 2 (CSB). Also called: COCKAYNE SYNDROME B; Cockayne Syndrome, Type II. Identifiers: Orphanet 191, Orphanet 90322, MedGen C0751038, MONDO:0019570, OMIM 133540.

Submission:

Myriad Genetics, Inc.
Classification: Likely pathogenic for Cockayne syndrome type 2. Last evaluated: 2022-02-17. Review status: criteria provided, single submitter. Criteria: Myriad Women's Health Autosomal Recessive and X-Linked Classification Criteria (2021). Collection method: clinical testing. Allele origin: unknown.
Comment: NM_000124.2(ERCC6):c.3489_3490delTC(Q1164Nfs*8) is expected to be pathogenic in the context of ERCC6-related disorders. This variant is predicted to lead to an abnormal or absent protein product due to the creation of a premature termination codon in ERCC6, a gene where loss-of-function variants are known to be pathogenic. Please note: this variant was assessed in the context of healthy population screening.

NM_000124.4(ERCC6):c.3489_3490del (p.Gln1164fs)

Gene: ERCC6 (ERCC excision repair 6, chromatin remodeling factor; minus strand). Cytogenetic location: 10q11.23.
Variant type: Deletion.
Coding change: c.3489_3490del on transcript NM_000124.4 (MANE Select); coding-DNA positions 3489 to 3490, 2 bases deleted (TC; older notation c.3489_3490delTC).
Protein change: p.Gln1164fs; shifts the reading frame from glutamine 1164.
Molecular consequence: frameshift variant.
Genome position (GRCh38, 1-based): chr10:49,470,470-49,470,471, GA deleted on the plus strand (TC on the coding strand, the reverse complement: ERCC6 is on the minus strand); deleting any 2 consecutive bases within chr10:49,470,470-49,470,472 gives the same sequence; the c. name uses the placement nearest the transcript's 3' end. VCF-style (leftmost placement, unchanged base first): chr10-49470469-TGA-T. GRCh37 (hg19) VCF-style: chr10-50678515-TGA-T.
Other names: c.3489_3490del, p.Gln1164fs (NM_001346440.2); short protein forms Q1164fs.
Identifiers: ClinVar variation 1724485 (VCV001724485.2), dbSNP rs2495971838, ClinGen allele CA2580081545.